The following is an entry in ClinVar:

NM_032043.3(BRIP1):c.1636G>A (p.Asp546Asn)

Gene: BRIP1 (BRCA1 interacting DNA helicase 1; minus strand). Cytogenetic location: 17q23.2.
Variant type: single nucleotide variant.
Coding change: c.1636G>A on transcript NM_032043.3 (MANE Select); coding-DNA position 1636, G replaced by A.
Protein change: p.Asp546Asn; replaces aspartic acid 546 with asparagine.
Molecular consequence: missense variant.
Genome position (GRCh38, 1-based): chr17:61,780,998, C>T on the plus strand (G>A on the coding strand, the complement: BRIP1 is on the minus strand). VCF-style: chr17-61780998-C-T. GRCh37 (hg19) VCF-style: chr17-59858359-C-T.
Other names: short protein forms D546N.
Identifiers: ClinVar variation 3603306 (VCV003603306.1).

ClinVar aggregate classification (germline): Uncertain significance (1 of 4 stars; one submission).

Conditions:
Familial cancer of breast. Also called: Hereditary breast cancer; BREAST CANCER, FAMILIAL; hereditary breast carcinoma. Identifiers: Orphanet 227535, MedGen C0346153, MONDO:0016419, OMIM 114480. Disease mechanism: loss of function.

Submission:

Neuberg Centre For Genomic Medicine, NCGM
Classification: Uncertain significance for Familial cancer of breast. Last evaluated: 2023-06-22. Review status: criteria provided, single submitter. Criteria: ACMG Guidelines, 2015. Collection method: clinical testing. Allele origin: germline. Inheritance: Autosomal dominant inheritance. Affected: yes.
Comment: The observed missense variant c.1636G>A (p.Asp546Asn) in the BRIP1 gene has not been reported previously as a pathogenic variant nor as a benign variant, to our knowledge. This variant is absent in the gnomAD Exomes. The amino acid Asp at position 546 is changed to a Asn changing protein sequence and it might alter its composition and physico-chemical properties. Computational evidence (Polyphen, SIFT and MutationTaster) predicts conflicting evidence on protein structure and function for this variant. The amino acid change p.Asp546Asn in BRIP1 is predicted as conserved by GERP++ and PhyloP across 100 vertebrates. For these reasons, this variant has been classified as Uncertain Significance.